The following is an entry in ClinVar:

NM_006567.5(FARS2):c.94T>A (p.Trp32Arg)

Genes: FARS2 (phenylalanyl-tRNA synthetase 2, mitochondrial; plus strand), LOC126859565 (CDK7 strongly-dependent group 2 enhancer GRCh37_chr6:5368745-5369944; plus strand). Cytogenetic location: 6p25.1.
Variant type: single nucleotide variant.
Coding change: c.94T>A on transcript NM_006567.5 (MANE Select); coding-DNA position 94, T replaced by A.
Protein change: p.Trp32Arg; replaces tryptophan 32 with arginine.
Molecular consequence: missense variant. On other transcripts: intron variant (2).
Genome position (GRCh38, 1-based): chr6:5,368,664, T>A. VCF-style: chr6-5368664-T-A. GRCh37 (hg19) VCF-style: chr6-5368897-T-A.
Other names: c.94T>A, p.Trp32Arg (NM_001318872.2, NM_001374875.1, NM_001374876.1 and 5 more transcripts); c.-340-27969T>A (NM_001375260.1); c.-84-35878T>A (NM_001375259.1); short protein forms W32R.
Identifiers: ClinVar variation 1361257 (VCV001361257.8), dbSNP rs1259085373, ClinGen allele CA362734540.

ClinVar aggregate classification (germline): Uncertain significance (1 of 4 stars; one submission).

Conditions:
Combined oxidative phosphorylation defect type 14. Also called: Combined oxidative phosphorylation deficiency 14. Identifiers: Orphanet 319519, MedGen C4755312, MONDO:0013986, OMIM 614946.

Submission:

Labcorp Genetics (formerly Invitae), Labcorp
Classification: Uncertain significance for Combined oxidative phosphorylation defect type 14. Last evaluated: 2021-06-15. Review status: criteria provided, single submitter. Criteria: Invitae Variant Classification Sherloc (09022015). Collection method: clinical testing. Allele origin: germline.
Comment: This sequence change replaces tryptophan with arginine at codon 32 of the FARS2 protein (p.Trp32Arg). The tryptophan residue is weakly conserved and there is a moderate physicochemical difference between tryptophan and arginine. This variant is not present in population databases (ExAC no frequency). This variant has not been reported in the literature in individuals with FARS2-related conditions. Advanced modeling of protein sequence and biophysical properties (such as structural, functional, and spatial information, amino acid conservation, physicochemical variation, residue mobility, and thermodynamic stability) performed at Invitae indicates that this missense variant is not expected to disrupt FARS2 protein function. In summary, the available evidence is currently insufficient to determine the role of this variant in disease. Therefore, it has been classified as a Variant of Uncertain Significance.